The following is an entry in ClinVar:

ClinVar aggregate classification (germline): Pathogenic (1 of 4 stars; one submission).

Conditions:
Neuronal ceroid lipofuscinosis. Also called: Neuronal Ceroid Lipofuscinoses. Identifiers: Orphanet 216, Orphanet 79263, MedGen C0027877, MONDO:0016295. Disease mechanism: loss of function.

Allele frequency attached by ClinVar (database versions not stated): gnomAD exomes below 0.00001.

Submission:

Labcorp Genetics (formerly Invitae), Labcorp
Classification: Pathogenic for Neuronal ceroid lipofuscinosis. Last evaluated: 2023-11-17. Review status: criteria provided, single submitter. Criteria: Invitae Variant Classification Sherloc (09022015). Collection method: clinical testing. Allele origin: germline.
Comment: This sequence change creates a premature translational stop signal (p.Trp379*) in the CLN5 gene. While this is not anticipated to result in nonsense mediated decay, it is expected to disrupt the last 29 amino acid(s) of the CLN5 protein. This variant is not present in population databases (gnomAD no frequency). This premature translational stop signal has been observed in individual(s) with neuronal ceroid lipofuscinosis (PMID: 23374165). This variant disrupts a region of the CLN5 protein in which other variant(s) (p.Tyr392*) have been determined to be pathogenic (PMID: 9662406). This suggests that this is a clinically significant region of the protein, and that variants that disrupt it are likely to be disease-causing. For these reasons, this variant has been classified as Pathogenic.

Literature cited by the submitters: PubMed 23374165; PubMed 9662406.

NM_006493.4(CLN5):c.989G>A (p.Trp330Ter)

Gene: CLN5 (CLN5 lysosomal BMP synthase; plus strand). Cytogenetic location: 13q22.3.
Variant type: single nucleotide variant.
Coding change: c.989G>A on transcript NM_006493.4 (MANE Select); coding-DNA position 989, G replaced by A.
Protein change: p.Trp330Ter; replaces tryptophan 330 with a stop codon.
Molecular consequence: nonsense. On other transcripts: 3 prime UTR variant (1).
Genome position (GRCh38, 1-based): chr13:77,000,881, G>A. VCF-style: chr13-77000881-G-A. GRCh37 (hg19) VCF-style: chr13-77575016-G-A.
Other names: c.*438G>A (NM_001366624.2); short protein forms W330*, W379*.
Identifiers: ClinVar variation 2694563 (VCV002694563.3), dbSNP rs2501157791, ClinGen allele CA388314655.